The following is an entry in ClinVar:

NM_016222.4(DDX41):c.1592T>A (p.Ile531Asn)

Gene: DDX41 (DEAD-box helicase 41; minus strand). Cytogenetic location: 5q35.3.
Variant type: single nucleotide variant.
Coding change: c.1592T>A on transcript NM_016222.4 (MANE Select); coding-DNA position 1592, T replaced by A.
Protein change: p.Ile531Asn; replaces isoleucine 531 with asparagine.
Molecular consequence: missense variant.
Genome position (GRCh38, 1-based): chr5:177,512,351, A>T on the plus strand (T>A on the coding strand, the complement: DDX41 is on the minus strand). VCF-style: chr5-177512351-A-T. GRCh37 (hg19) VCF-style: chr5-176939352-A-T.
Other names: c.1214T>A, p.Ile405Asn (NM_001321732.2, NM_001321830.2); short protein forms I405N, I531N.
Identifiers: ClinVar variation 3839007 (VCV003839007.1).

ClinVar aggregate classification (germline): Uncertain significance (1 of 4 stars; one submission).

Conditions:
Inborn genetic diseases. Identifiers: MedGen C0950123, MeSH D030342.

Submission:

Ambry Genetics
Classification: Uncertain significance for Inborn genetic diseases. Last evaluated: 2025-01-21. Review status: criteria provided, single submitter. Criteria: Ambry Variant Classification Scheme 2023. Collection method: clinical testing. Allele origin: germline.
Comment: The p.I531N variant (also known as c.1592T>A), located in coding exon 15 of the DDX41 gene, results from a T to A substitution at nucleotide position 1592. The isoleucine at codon 531 is replaced by asparagine, an amino acid with dissimilar properties. This amino acid position is conserved. In addition, this alteration is predicted to be deleterious by in silico analysis. Based on the available evidence, the clinical significance of this variant remains unclear.